The following is an entry in ClinVar:

ClinVar aggregate classification (germline): Uncertain significance. Review status: criteria provided, multiple submitters, no conflicts (2 of 4 stars). 2 submissions from 2 submitters: Uncertain significance (2). Last evaluated 2024-12-04.

Allele frequency attached by ClinVar (database versions not stated): gnomAD exomes below 0.00001; gnomAD 0.00002; TOPMed 0.00002.
gnomAD v4.1: 9 of 1,565,664 alleles (0.00057%); highest among the groups gnomAD compares: Admixed American, 0.0019%; no homozygotes.

Submissions (2):

Ambry Genetics
Classification: Uncertain significance. Last evaluated: 2024-12-04. Review status: criteria provided, single submitter. Criteria: Ambry Variant Classification Scheme 2023. Collection method: clinical testing. Allele origin: germline.

Labcorp Genetics (formerly Invitae), Labcorp
Classification: Uncertain significance. Last evaluated: 2022-08-30. Review status: criteria provided, single submitter. Criteria: Invitae Variant Classification Sherloc (09022015). Collection method: clinical testing. Allele origin: germline.
Comment: In summary, the available evidence is currently insufficient to determine the role of this variant in disease. Therefore, it has been classified as a Variant of Uncertain Significance. Experimental studies and prediction algorithms are not available or were not evaluated, and the functional significance of this variant is currently unknown. This variant has not been reported in the literature in individuals affected with EXOC6B-related conditions. The frequency data for this variant in the population databases is considered unreliable, as metrics indicate poor data quality at this position in the gnomAD database. This sequence change replaces arginine, which is basic and polar, with tryptophan, which is neutral and slightly polar, at codon 758 of the EXOC6B protein (p.Arg758Trp).

NM_015189.3(EXOC6B):c.2272C>T (p.Arg758Trp)

Gene: EXOC6B (exocyst complex component 6B; minus strand). Cytogenetic location: 2p13.2.
Variant type: single nucleotide variant.
Coding change: c.2272C>T on transcript NM_015189.3 (MANE Select); coding-DNA position 2272, C replaced by T.
Protein change: p.Arg758Trp; replaces arginine 758 with tryptophan.
Molecular consequence: missense variant. On other transcripts: non-coding transcript variant (2).
Genome position (GRCh38, 1-based): chr2:72,184,112, G>A on the plus strand (C>T on the coding strand, the complement: EXOC6B is on the minus strand). VCF-style: chr2-72184112-G-A. GRCh37 (hg19) VCF-style: chr2-72411241-G-A.
Other names: c.2272C>T (NM_015189.1); c.2272C>T, p.Arg758Trp (NM_001321729.2, NM_001321731.2); c.2137C>T, p.Arg713Trp (NM_001321730.2, NM_001321733.2); c.1933C>T, p.Arg645Trp (NM_001321734.2); short protein forms R645W, R713W, R758W.
Identifiers: ClinVar variation 1909101 (VCV001909101.6), dbSNP rs751480355, ClinGen allele CA49789945.